The following is an entry in ClinVar:

ClinVar aggregate classification (germline): Likely benign (1 of 4 stars; one submission).

Conditions:
NR0B2-related disorder. Also called: NR0B2-related condition.

gnomAD v4.1: 2 of 1,613,860 alleles (0.00012%); highest among the groups gnomAD compares: Admixed American, 0.0033%; no homozygotes.

Submission:

PreventionGenetics, part of Exact Sciences
Classification: Likely benign for NR0B2-related condition. Last evaluated: 2025-07-15. Review status: criteria provided, single submitter. Criteria: ACMG Guidelines, 2015. Collection method: clinical testing. Allele origin: germline.
Comment: This variant is classified as likely benign based on ACMG/AMP sequence variant interpretation guidelines (Richards et al. 2015 PMID: 25741868, with internal and published modifications).

NM_021969.3(NR0B2):c.532+8C>T

Genes: NUDC (nuclear distribution C, dynein complex regulator; plus strand), NR0B2 (nuclear receptor subfamily 0 group B member 2; minus strand). Cytogenetic location: 1p36.11.
Variant type: single nucleotide variant.
Coding change: c.532+8C>T on transcript NM_021969.3 (MANE Select); 8 bases into the intron after coding-DNA position 532, C replaced by T.
Molecular consequence: intron variant.
Genome position (GRCh38, 1-based): chr1:26,913,401, G>A on the plus strand (C>T on the coding strand, the complement: NR0B2 is on the minus strand). VCF-style: chr1-26913401-G-A. GRCh37 (hg19) VCF-style: chr1-27239892-G-A.
Identifiers: ClinVar variation 4977839 (VCV004977839.1).